The following is an entry in ClinVar:

NC_000008.10:g.(?_56985649)_(56986942_?)del

Gene: RPS20 (ribosomal protein S20; minus strand). Cytogenetic location: 8q12.1.
Variant type: Deletion.
Identifiers: ClinVar variation 1373375 (VCV001373375.4).

ClinVar aggregate classification (germline): Uncertain significance (1 of 4 stars; one submission).

Submission:

Labcorp Genetics (formerly Invitae), Labcorp
Classification: Uncertain significance. Last evaluated: 2021-06-17. Review status: criteria provided, single submitter. Criteria: Invitae Variant Classification Sherloc (09022015). Collection method: clinical testing. Allele origin: germline.
Comment: In summary, the available evidence is currently insufficient to determine the role of this variant in disease. Therefore, it has been classified as a Variant of Uncertain Significance. Experimental studies and prediction algorithms are not available or were not evaluated, and the functional significance of this variant is currently unknown. This variant has not been reported in the literature in individuals with RPS20-related conditions. A gross deletion of the genomic region encompassing the full coding sequence of the RPS20 gene has been identified. The current clinical and genetic evidence is not sufficient to establish whether loss-of-function variants in RPS20 cause disease. The boundaries of this event are unknown as they extend beyond the assayed region for this gene and therefore may encompass additional genes.